The following is an entry in ClinVar:

ClinVar aggregate classification (germline): Likely benign. Review status: criteria provided, multiple submitters, no conflicts (2 of 4 stars). 6 submissions from 6 submitters: Likely benign (5). 1 of the submissions does not count toward it. Last evaluated 2025-08-18.

Conditions:
OTOG-related disorder. Also called: OTOG-related condition.

Allele frequency attached by ClinVar (database versions not stated): gnomAD exomes 0.00011 and 0.00015; gnomAD 0.00016 and 0.00018; TOPMed 0.00021.
gnomAD v4.1: 230 of 1,425,858 alleles (0.016%); highest among the groups gnomAD compares: Middle Eastern, 0.17%; no homozygotes.

Submissions (6):

Genomic Medicine Center of Excellence, King Faisal Specialist Hospital and Research Centre
Classification: Likely benign. Last evaluated: 2025-08-18. Review status: criteria provided, single submitter. Criteria: ACMG Guidelines, 2015. Collection method: clinical testing. Allele origin: germline.

Labcorp Genetics (formerly Invitae), Labcorp
Classification: Likely benign. Last evaluated: 2025-08-18. Review status: criteria provided, single submitter. Criteria: Invitae Variant Classification Sherloc (09022015). Collection method: clinical testing. Allele origin: germline.

Blueprint Genetics
Classification: Likely benign. Last evaluated: 2024-11-22. Review status: criteria provided, single submitter. Criteria: ACMG Guidelines, 2015. Collection method: clinical testing. Allele origin: germline.

CeGaT Center for Human Genetics Tuebingen
Classification: Likely benign. Last evaluated: 2024-01-01. Review status: criteria provided, single submitter. Criteria: CeGaT Center For Human Genetics Tuebingen Variant Classification Criteria Version 2. Collection method: clinical testing. Allele origin: germline. Affected: yes. Observed: 1 variant allele.
Comment: OTOG: BP4

Laboratory for Molecular Medicine, Mass General Brigham Personalized Medicine
Classification: Likely benign. Last evaluated: 2017-01-12. Review status: criteria provided, single submitter. Criteria: LMM Criteria. Collection method: clinical testing. Allele origin: germline. Observed: 2 variant alleles.
Comment: c.576+8C>T in intron 5 of OTOG: This variant is not expected to have clinical si gnificance because it is not located within the splice consensus sequence.

PreventionGenetics, part of Exact Sciences
Classification: Likely benign for OTOG-related condition. Last evaluated: 2019-05-28. Review status: no assertion criteria provided. Collection method: clinical testing. Allele origin: germline. Not counted in ClinVar's aggregate classification.
Comment: This variant is classified as likely benign based on ACMG/AMP sequence variant interpretation guidelines (Richards et al. 2015 PMID: 25741868, with internal and published modifications).

NM_001292063.2(OTOG):c.540+8C>T

Gene: OTOG (otogelin; plus strand). Cytogenetic location: 11p15.1.
Variant type: single nucleotide variant.
Coding change: c.540+8C>T on transcript NM_001292063.2 (MANE Select); 8 bases into the intron after coding-DNA position 540, C replaced by T.
Molecular consequence: intron variant.
Genome position (GRCh38, 1-based): chr11:17,553,527, C>T. VCF-style: chr11-17553527-C-T. GRCh37 (hg19) VCF-style: chr11-17575074-C-T.
Other names: c.576+8C>T (NM_001277269.2).
Identifiers: ClinVar variation 517151 (VCV000517151.37), dbSNP rs1027600196, ClinGen allele CA218490259.